The following is an entry in ClinVar:

ClinVar aggregate classification (germline): Uncertain significance. Review status: criteria provided, multiple submitters, no conflicts (2 of 4 stars). 2 submissions from 2 submitters: Uncertain significance (2). Last evaluated 2025-06-24.

Conditions:
Congenital myasthenic syndrome 10. Also called: Myasthenia, limb-girdle, familial. Identifiers: Orphanet 590, MedGen C1850792, MONDO:0009690, OMIM 254300.
Fetal akinesia deformation sequence 1 (FADS1). Also called: Fetal akinesia sequence; Pena-Shokeir syndrome type I. Identifiers: Orphanet 994, MedGen C1276035, MONDO:0100101, OMIM 208150, HP:0001989.
Inborn genetic diseases. Identifiers: MedGen C0950123, MeSH D030342.

Allele frequency attached by ClinVar (database versions not stated): gnomAD exomes below 0.00001; TOPMed below 0.00001; ExAC 0.00001; gnomAD 0.00001.
gnomAD v4.1: 2 of 1,613,750 alleles (0.00012%); highest among the groups gnomAD compares: Non-Finnish European, 0.00017%; no homozygotes.

Submissions (2):

Ambry Genetics
Classification: Uncertain significance for Inborn genetic diseases. Last evaluated: 2025-06-24. Review status: criteria provided, single submitter. Criteria: Ambry Variant Classification Scheme 2023. Collection method: clinical testing. Allele origin: germline.

Labcorp Genetics (formerly Invitae), Labcorp
Classification: Uncertain significance for Congenital myasthenic syndrome 10; Fetal akinesia deformation sequence 1. Last evaluated: 2022-07-26. Review status: criteria provided, single submitter. Criteria: Invitae Variant Classification Sherloc (09022015). Collection method: clinical testing. Allele origin: germline.
Comment: This sequence change replaces leucine, which is neutral and non-polar, with valine, which is neutral and non-polar, at codon 154 of the DOK7 protein (p.Leu154Val). This variant is present in population databases (rs775014794, gnomAD 0.0009%). This variant has not been reported in the literature in individuals affected with DOK7-related conditions. ClinVar contains an entry for this variant (Variation ID: 1360800). Algorithms developed to predict the effect of missense changes on protein structure and function are either unavailable or do not agree on the potential impact of this missense change (SIFT: "Deleterious"; PolyPhen-2: "Probably Damaging"; Align-GVGD: "Class C0"). Algorithms developed to predict the effect of sequence changes on RNA splicing suggest that this variant may create or strengthen a splice site. In summary, the available evidence is currently insufficient to determine the role of this variant in disease. Therefore, it has been classified as a Variant of Uncertain Significance.

NM_173660.5(DOK7):c.460C>G (p.Leu154Val)

Gene: DOK7 (docking protein 7; plus strand). Cytogenetic location: 4p16.3.
Variant type: single nucleotide variant.
Coding change: c.460C>G on transcript NM_173660.5 (MANE Select); coding-DNA position 460, C replaced by G.
Protein change: p.Leu154Val; replaces leucine 154 with valine.
Molecular consequence: missense variant. On other transcripts: intron variant (1).
Genome position (GRCh38, 1-based): chr4:3,476,470, C>G. VCF-style: chr4-3476470-C-G. GRCh37 (hg19) VCF-style: chr4-3478197-C-G.
Other names: c.460C>G (NM_173660.4); c.460C>G, p.Leu154Val (NM_001164673.2, NM_001301071.2); c.101-9069C>G (NM_001363811.2); short protein forms L154V.
Identifiers: ClinVar variation 1360800 (VCV001360800.6), dbSNP rs775014794, ClinGen allele CA2829003.